The following is an entry in ClinVar:

NM_001375405.1(CEP120):c.316A>C (p.Lys106Gln)

Gene: CEP120 (centrosomal protein 120; minus strand). Cytogenetic location: 5q23.2.
Variant type: single nucleotide variant.
Coding change: c.316A>C on transcript NM_001375405.1 (MANE Select); coding-DNA position 316, A replaced by C.
Protein change: p.Lys106Gln; replaces lysine 106 with glutamine.
Molecular consequence: missense variant. On other transcripts: 5 prime UTR variant (2), non-coding transcript variant (1).
Genome position (GRCh38, 1-based): chr5:123,416,015, T>G on the plus strand (A>C on the coding strand, the complement: CEP120 is on the minus strand). VCF-style: chr5-123416015-T-G. GRCh37 (hg19) VCF-style: chr5-122751709-T-G.
Other names: c.238A>C, p.Lys80Gln (NM_001166226.2); c.316A>C, p.Lys106Gln (NM_001375406.1, NM_001375407.1, NM_153223.4); c.-433A>C (NM_001375408.1); c.-375A>C (NM_001375409.1); short protein forms K106Q, K80Q.
Identifiers: ClinVar variation 1336211 (VCV001336211.6), dbSNP rs568081479, ClinGen allele CA3387287.

ClinVar aggregate classification (germline): Uncertain significance. Review status: criteria provided, multiple submitters, no conflicts (2 of 4 stars). 3 submissions from 3 submitters: Uncertain significance (3). Last evaluated 2025-07-31.

Conditions:
Inborn genetic diseases. Identifiers: MedGen C0950123, MeSH D030342.
Short-rib thoracic dysplasia 13 with or without polydactyly (SRTD13). Identifiers: Orphanet 474, MedGen C4225378, MONDO:0014577, OMIM 616300.

Allele frequency attached by ClinVar (database versions not stated): gnomAD exomes 0.00001 and 0.00003; ExAC 0.00003; gnomAD 0.00011; TOPMed 0.00036; 1000 Genomes Project 30x 0.00047; 1000 Genomes Project 0.00060.
gnomAD v4.1: 44 of 1,607,718 alleles (0.0027%); highest among the groups gnomAD compares: Admixed American, 0.057%; no homozygotes.

Submissions (3):

Ambry Genetics
Classification: Uncertain significance for Inborn genetic diseases. Last evaluated: 2025-07-31. Review status: criteria provided, single submitter. Criteria: Ambry Variant Classification Scheme 2023. Collection method: clinical testing. Allele origin: germline.

Labcorp Genetics (formerly Invitae), Labcorp
Classification: Uncertain significance for Short-rib thoracic dysplasia 13 with or without polydactyly. Last evaluated: 2022-10-13. Review status: criteria provided, single submitter. Criteria: Invitae Variant Classification Sherloc (09022015). Collection method: clinical testing. Allele origin: germline.
Comment: This sequence change replaces lysine, which is basic and polar, with glutamine, which is neutral and polar, at codon 106 of the CEP120 protein (p.Lys106Gln). This variant is present in population databases (rs568081479, gnomAD 0.02%). This variant has not been reported in the literature in individuals affected with CEP120-related conditions. ClinVar contains an entry for this variant (Variation ID: 1336211). Advanced modeling of protein sequence and biophysical properties (such as structural, functional, and spatial information, amino acid conservation, physicochemical variation, residue mobility, and thermodynamic stability) performed at Invitae indicates that this missense variant is not expected to disrupt CEP120 protein function. In summary, the available evidence is currently insufficient to determine the role of this variant in disease. Therefore, it has been classified as a Variant of Uncertain Significance.

Genetic Services Laboratory, University of Chicago
Classification: Uncertain significance. Last evaluated: 2017-08-24. Review status: criteria provided, single submitter. Criteria: ACMG Guidelines, 2015. Collection method: clinical testing. Allele origin: germline. Affected: no.